The following is an entry in ClinVar:

ClinVar aggregate classification (germline): Conflicting classifications of pathogenicity. Review status: criteria provided, conflicting classifications (1 of 4 stars). 4 submissions from 4 submitters: Uncertain significance (3); Likely benign (1). Last evaluated 2025-11-26.

Conditions:
POLE-related disorder. Also called: POLE-related disorders; POLE-related condition.
Hereditary cancer-predisposing syndrome. Also called: Hereditary Cancer Syndrome; Hereditary neoplastic syndrome; Neoplastic Syndromes, Hereditary; Tumor predisposition. Identifiers: Orphanet 140162, MedGen C0027672, MeSH D009386, MONDO:0015356.

Allele frequency attached by ClinVar (database versions not stated): TOPMed 0.00002.
gnomAD v4.1: 8 of 1,612,914 alleles (0.0005%); highest among the groups gnomAD compares: Non-Finnish European, 0.00068%; no homozygotes.

Submissions (4):

Labcorp Genetics (formerly Invitae), Labcorp
Classification: Uncertain significance. Last evaluated: 2025-11-26. Review status: criteria provided, single submitter. Criteria: Invitae Variant Classification Sherloc (09022015). Collection method: clinical testing. Allele origin: germline.
Comment: This sequence change replaces arginine, which is basic and polar, with leucine, which is neutral and non-polar, at codon 1294 of the POLE protein (p.Arg1294Leu). This variant is present in population databases (rs115455318, gnomAD 0.003%). This variant has not been reported in the literature in individuals affected with POLE-related conditions. ClinVar contains an entry for this variant (Variation ID: 405878). Invitae Evidence Modeling of protein sequence and biophysical properties (such as structural, functional, and spatial information, amino acid conservation, physicochemical variation, residue mobility, and thermodynamic stability) indicates that this missense variant is not expected to disrupt POLE protein function with a negative predictive value of 80%. In summary, the available evidence is currently insufficient to determine the role of this variant in disease. Therefore, it has been classified as a Variant of Uncertain Significance.

Ambry Genetics
Classification: Likely benign for Hereditary cancer-predisposing syndrome. Last evaluated: 2024-12-12. Review status: criteria provided, single submitter. Criteria: Ambry Variant Classification Scheme 2023. Collection method: clinical testing. Allele origin: germline.

PreventionGenetics, part of Exact Sciences
Classification: Uncertain significance for POLE-related condition. Last evaluated: 2023-07-18. Review status: criteria provided, single submitter. Criteria: ACMG Guidelines, 2015. Collection method: clinical testing. Allele origin: germline.
Comment: The POLE c.3881G>T variant is predicted to result in the amino acid substitution p.Arg1294Leu. This variant was reported as a variant of uncertain significance in a cohort of patients with colorectal adenoma (Patel et al. 2021. PubMed ID: 33436027). This variant is reported in 0.0027% of alleles in individuals of European (Non-Finnish) descent in gnomAD and is interpreted as uncertain significance in ClinVar. At this time, the clinical significance of this variant is uncertain due to the absence of conclusive functional and genetic evidence.

GeneDx
Classification: Uncertain significance. Last evaluated: 2022-04-14. Review status: criteria provided, single submitter. Criteria: GeneDx Variant Classification Process June 2021. Collection method: clinical testing. Allele origin: germline. Affected: yes.
Comment: Not observed at significant frequency in large population cohorts (gnomAD); In silico analysis supports that this missense variant has a deleterious effect on protein structure/function; Has not been previously published as pathogenic or benign to our knowledge

NM_006231.4(POLE):c.3881G>T (p.Arg1294Leu)

Gene: POLE (DNA polymerase epsilon, catalytic subunit; minus strand). Cytogenetic location: 12q24.33.
Variant type: single nucleotide variant.
Coding change: c.3881G>T on transcript NM_006231.4 (MANE Select); coding-DNA position 3881, G replaced by T.
Protein change: p.Arg1294Leu; replaces arginine 1294 with leucine.
Molecular consequence: missense variant.
Genome position (GRCh38, 1-based): chr12:132,649,430, C>A on the plus strand (G>T on the coding strand, the complement: POLE is on the minus strand). VCF-style: chr12-132649430-C-A. GRCh37 (hg19) VCF-style: chr12-133226016-C-A.
Other names: short protein forms R1294L.
Identifiers: ClinVar variation 405878 (VCV000405878.13), dbSNP rs115455318, ClinGen allele CA6893065.